The following is an entry in ClinVar:

NM_003482.4(KMT2D):c.1343C>A (p.Pro448His)

Gene: KMT2D (lysine methyltransferase 2D; minus strand). Cytogenetic location: 12q13.12.
Variant type: single nucleotide variant.
Coding change: c.1343C>A on transcript NM_003482.4 (MANE Select); coding-DNA position 1343, C replaced by A.
Protein change: p.Pro448His; replaces proline 448 with histidine.
Molecular consequence: missense variant.
Genome position (GRCh38, 1-based): chr12:49,052,340, G>T on the plus strand (C>A on the coding strand, the complement: KMT2D is on the minus strand). VCF-style: chr12-49052340-G-T. GRCh37 (hg19) VCF-style: chr12-49446123-G-T.
Other names: short protein forms P448H.
Identifiers: ClinVar variation 1512148 (VCV001512148.8), dbSNP rs548803119, ClinGen allele CA384675256.

ClinVar aggregate classification (germline): Uncertain significance (1 of 4 stars; one submission).

Conditions:
Kabuki syndrome. Also called: NIIKAWA-KUROKI SYNDROME; Kabuki make-up syndrome. Identifiers: Orphanet 2322, MedGen C0796004, MONDO:0016512.

Submission:

Labcorp Genetics (formerly Invitae), Labcorp
Classification: Uncertain significance for Kabuki syndrome. Last evaluated: 2021-02-19. Review status: criteria provided, single submitter. Criteria: Invitae Variant Classification Sherloc (09022015). Collection method: clinical testing. Allele origin: germline.
Comment: This sequence change replaces proline with histidine at codon 448 of the KMT2D protein (p.Pro448His). The proline residue is weakly conserved and there is a moderate physicochemical difference between proline and histidine. This variant is not present in population databases (ExAC no frequency). This variant has not been reported in the literature in individuals with KMT2D-related conditions. Advanced modeling of protein sequence and biophysical properties (such as structural, functional, and spatial information, amino acid conservation, physicochemical variation, residue mobility, and thermodynamic stability) performed at Invitae indicates that this missense variant is not expected to disrupt KMT2D protein function. In summary, the available evidence is currently insufficient to determine the role of this variant in disease. Therefore, it has been classified as a Variant of Uncertain Significance.